The following is an entry in ClinVar:

ClinVar aggregate classification (germline): Conflicting classifications of pathogenicity. Review status: criteria provided, conflicting classifications (1 of 4 stars). 3 submissions from 3 submitters: Uncertain significance (2); Likely benign (1). Last evaluated 2025-03-11.

Conditions:
Ehlers-Danlos syndrome, classic type, 1 (EDSCL1). Also called: Ehlers-Danlos Syndrome, Classic Type, COL5A1-Related; EHLERS-DANLOS SYNDROME, GRAVIS TYPE; EHLERS-DANLOS SYNDROME, SEVERE CLASSIC TYPE; Ehlers-Danlos syndrome, type 1; EDS I. Identifiers: MedGen C0268335, MONDO:0019567, OMIM 130000.

Allele frequency attached by ClinVar (database versions not stated): gnomAD 0.00001; ExAC 0.00002; gnomAD exomes below 0.00001; TOPMed 0.00001.
gnomAD v4.1: 7 of 1,614,088 alleles (0.00043%); highest among the groups gnomAD compares: African/African-American, 0.0013%; no homozygotes.

Submissions (3):

Labcorp Genetics (formerly Invitae), Labcorp
Classification: Likely benign for Ehlers-Danlos syndrome, classic type, 1. Last evaluated: 2025-03-11. Review status: criteria provided, single submitter. Criteria: Invitae Variant Classification Sherloc (09022015). Collection method: clinical testing. Allele origin: germline.

Women's Health and Genetics/Laboratory Corporation of America, LabCorp
Classification: Uncertain significance. Last evaluated: 2025-01-23. Review status: criteria provided, single submitter. Criteria: LabCorp Variant Classification Summary - May 2015. Collection method: clinical testing. Allele origin: germline.
Comment: Variant summary: COL5A1 c.1229G>A (p.Arg410Gln) results in a conservative amino acid change in the encoded protein sequence. Five of five in-silico tools predict a benign effect of the variant on protein function. The variant allele was found at a frequency of 4e-06 in 249024 control chromosomes. The available data on variant occurrences in the general population are insufficient to allow any conclusion about variant significance. To our knowledge, no occurrence of c.1229G>A in individuals affected with Ehlers-Danlos syndrome or other COL5A1-related disorders and no experimental evidence demonstrating its impact on protein function have been reported. ClinVar contains an entry for this variant (Variation ID: 219285). Based on the evidence outlined above, the variant was classified as uncertain significance.

GeneDx
Classification: Uncertain significance. Last evaluated: 2015-04-24. Review status: criteria provided, single submitter. Criteria: GeneDx Variant Classification (06012015). Collection method: clinical testing. Allele origin: germline. Affected: yes.
Comment: p.Arg410Gln (R410Q) CGG>CAG: c.1229 G>A in exon 8 of the COL5A1 gene (NM_000093.3) The R410Q variant has not been published as a mutation, nor has it been reported as a benign polymorphism to our knowledge. The R410Q variant was not observed in approximately 6500 individuals of European and African American ancestry in the NHLBI Exome Sequencing Project, indicating it is not a common benign variant in these populations. The R410Q variant is a semi-conservative amino acid substitution, which may impact secondary protein structure as these residues differ in some properties. This substitution occurs at a position where amino acids with similar properties to Arginine are tolerated across species. However, in silico analysis predicts this variant likely does not alter the protein structure/function. No missense mutations in nearby residues have been reported in association with a COL5A1-related disorder, suggesting this region of the protein may be tolerant of change. Finally, the R410Q variant does not affect a Glycine residue in a Gly-X-Y motif in the triple helical region of the COL5A1 gene, where the majority of missense mutations occur (Symoens et al., 2012).Therefore, based on the currently available information, it is unclear whether this variant is a pathogenic mutation or a rare benign variant. This variant was found in TAADV2-PANCARD

NM_000093.5(COL5A1):c.1229G>A (p.Arg410Gln)

Gene: COL5A1 (collagen type V alpha 1 chain; plus strand). Cytogenetic location: 9q34.3.
Variant type: single nucleotide variant.
Coding change: c.1229G>A on transcript NM_000093.5 (MANE Select); coding-DNA position 1229, G replaced by A.
Protein change: p.Arg410Gln; replaces arginine 410 with glutamine.
Molecular consequence: missense variant.
Genome position (GRCh38, 1-based): chr9:134,731,560, G>A. VCF-style: chr9-134731560-G-A. GRCh37 (hg19) VCF-style: chr9-137623406-G-A.
Other names: p.R410Q:CGG>CAG; c.1229G>A, p.Arg410Gln (NM_001278074.1); short protein forms R410Q.
Identifiers: ClinVar variation 219285 (VCV000219285.6), dbSNP rs769244075, ClinGen allele CA339715.
Genomic context (GRCh38, chr9:134,731,560, plus strand): 5'-CTCCGCCTCCAGGGGAAGGTGCGGATGACTTGGAGGGGGAGTTCACTGAGGAAACGATCC[G>A]GAACCTTGACGAGAACTACTACGACCCCTACTACGACCCCACCAGCTCCCCGTCGGAGAT-3'
Protein context (NP_000084.3, residues 400-420): LEGEFTEETI[Arg410Gln]NLDENYYDPY